The following is an entry in ClinVar:

NM_001134363.3(RBM20):c.1219C>G (p.Pro407Ala)

Gene: RBM20 (RNA binding motif protein 20; plus strand). Cytogenetic location: 10q25.2.
Variant type: single nucleotide variant.
Coding change: c.1219C>G on transcript NM_001134363.3 (MANE Select); coding-DNA position 1219, C replaced by G.
Protein change: p.Pro407Ala; replaces proline 407 with alanine.
Molecular consequence: missense variant.
Genome position (GRCh38, 1-based): chr10:110,781,828, C>G. VCF-style: chr10-110781828-C-G. GRCh37 (hg19) VCF-style: chr10-112541586-C-G.
Other names: short protein forms P407A.
Identifiers: ClinVar variation 3233197 (VCV003233197.1), dbSNP rs1334307540, ClinGen allele CA378386019.

ClinVar aggregate classification (germline): Uncertain significance (1 of 4 stars; one submission).

Conditions:
Cardiovascular phenotype. Identifiers: MedGen CN230736.

Allele frequency attached by ClinVar (database versions not stated): gnomAD exomes 0.00001.
gnomAD v4.1: 3 of 1,551,778 alleles (0.00019%); highest among the groups gnomAD compares: Non-Finnish European, 0.00026%; no homozygotes.

Submission:

Ambry Genetics
Classification: Uncertain significance for Cardiovascular phenotype. Last evaluated: 2023-10-29. Review status: criteria provided, single submitter. Criteria: Ambry Variant Classification Scheme 2023. Collection method: clinical testing. Allele origin: germline.
Comment: The p.P407A variant (also known as c.1219C>G), located in coding exon 2 of the RBM20 gene, results from a C to G substitution at nucleotide position 1219. The proline at codon 407 is replaced by alanine, an amino acid with highly similar properties. This amino acid position is conserved. In addition, this alteration is predicted to be deleterious by in silico analysis. Since supporting evidence is limited at this time, the clinical significance of this alteration remains unclear.